The following is an entry in ClinVar:

NM_025137.4(SPG11):c.4687A>G (p.Arg1563Gly)

Gene: SPG11 (SPG11 vesicle trafficking associated, spatacsin; minus strand). Cytogenetic location: 15q21.1.
Variant type: single nucleotide variant.
Coding change: c.4687A>G on transcript NM_025137.4 (MANE Select); coding-DNA position 4687, A replaced by G.
Protein change: p.Arg1563Gly; replaces arginine 1563 with glycine.
Molecular consequence: missense variant.
Genome position (GRCh38, 1-based): chr15:44,592,387, T>C on the plus strand (A>G on the coding strand, the complement: SPG11 is on the minus strand). VCF-style: chr15-44592387-T-C. GRCh37 (hg19) VCF-style: chr15-44884585-T-C.
Other names: p.Arg1563Gly; c.4687A>G, p.Arg1563Gly (NM_001160227.2); short protein forms R1563G.
Identifiers: ClinVar variation 188084 (VCV000188084.63), dbSNP rs75430389, ClinGen allele CA333999.

ClinVar aggregate classification (germline): Benign/Likely benign. Review status: criteria provided, multiple submitters, no conflicts (2 of 4 stars). 12 submissions from 10 submitters: Benign (4); Likely benign (8). Last evaluated 2026-01-27.

Conditions:
Amyotrophic lateral sclerosis type 5 (ALS5). Also called: AMYOTROPHIC LATERAL SCLEROSIS 5, JUVENILE. Identifiers: Orphanet 300605, MedGen C1865864, MONDO:0011196, OMIM 602099.
Charcot-Marie-Tooth disease axonal type 2X. Also called: CHARCOT-MARIE-TOOTH DISEASE, AXONAL, AUTOSOMAL RECESSIVE, TYPE 2X; CHARCOT-MARIE-TOOTH NEUROPATHY, TYPE 2X. Identifiers: Orphanet 466775, MedGen C5569024, MONDO:0014726, OMIM 616668.
Hereditary spastic paraplegia. Also called: Familial spastic paraparesis. Identifiers: Orphanet 685, MedGen C0037773, MONDO:0019064. Disease mechanism: loss of function.
Hereditary spastic paraplegia 11. Also called: SPASTIC PARAPLEGIA, AUTOSOMAL RECESSIVE, COMPLICATED, WITH THIN CORPUS CALLOSUM; SPASTIC PARAPLEGIA, AUTOSOMAL RECESSIVE, WITH MENTAL IMPAIRMENT AND THIN CORPUS CALLOSUM; Nakamura Osame syndrome; Autosomal recessive hereditary spastic paraplegia, mental impairment, and thin corpus callosum; Spastic paraplegia, mental retardation and thin corpus callosum; Spastic Paraplegia 11. Identifiers: Orphanet 2822, MedGen C1858479, MONDO:0011445, OMIM 604360.

Allele frequency attached by ClinVar (database versions not stated): gnomAD exomes 0.00131; ExAC 0.00168; gnomAD 0.00497 and 0.00523; ESP Exome Variant Server 0.00546; TOPMed 0.00594; 1000 Genomes Project 0.00699; 1000 Genomes Project 30x 0.00796.
gnomAD v4.1: 1,538 of 1,612,610 alleles (0.095%); highest among the groups gnomAD compares: African/African-American, 1.8%; 18 homozygotes.

Submissions (12):

Labcorp Genetics (formerly Invitae), Labcorp
Classification: Benign for Hereditary spastic paraplegia 11. Last evaluated: 2026-01-27. Review status: criteria provided, single submitter. Criteria: Invitae Variant Classification Sherloc (09022015). Collection method: clinical testing. Allele origin: germline.

Athena Diagnostics
Classification: Benign. Last evaluated: 2025-10-06. Review status: criteria provided, single submitter. Criteria: Athena Diagnostics Criteria. Collection method: clinical testing. Allele origin: unknown.
Comment: The frequency of this variant in the general population is higher than would generally be expected for pathogenic variants in this gene.

Blueprint Genetics
Classification: Likely benign. Last evaluated: 2024-11-13. Review status: criteria provided, single submitter. Criteria: ACMG Guidelines, 2015. Collection method: clinical testing. Allele origin: germline.

GeneDx
Classification: Benign. Last evaluated: 2020-04-01. Review status: criteria provided, single submitter. Criteria: GeneDx Variant Classification Process June 2021. Collection method: clinical testing. Allele origin: germline. Affected: yes.

Genome Diagnostics Laboratory, The Hospital for Sick Children
Classification: Likely benign for Hereditary spastic paraplegia. Last evaluated: 2020-04-01. Review status: criteria provided, single submitter. Criteria: ACMG Guidelines, 2015. Collection method: clinical testing. Allele origin: germline. Affected: yes.

Mayo Clinic Laboratories, Mayo Clinic
Classification: Benign. Last evaluated: 2019-11-15. Review status: criteria provided, single submitter. Criteria: ACMG Guidelines, 2015. Collection method: clinical testing. Allele origin: germline. Observed: 5 variant alleles.

Illumina Laboratory Services, Illumina
Classification: Likely benign for Hereditary spastic paraplegia 11. Last evaluated: 2018-01-13. Review status: criteria provided, single submitter. Criteria: ICSL Variant Classification Criteria 13 December 2019. Collection method: clinical testing. Allele origin: germline.
Comment: This variant was observed in the ICSL laboratory as part of a predisposition screen in an ostensibly healthy population. It had not been previously curated by ICSL or reported in the Human Gene Mutation Database (HGMD: prior to June 1st, 2018), and was therefore a candidate for classification through an automated scoring system. Utilizing variant allele frequency, disease prevalence and penetrance estimates, and inheritance mode, an automated score was calculated to assess if this variant is too frequent to cause the disease. Based on the score and internal cut-off values, a variant classified as likely benign is not then subjected to further curation. The score for this variant resulted in a classification of likely benign for this disease.

Center for Pediatric Genomic Medicine, Children's Mercy Hospital and Clinics
Classification: Likely benign. Last evaluated: 2017-05-03. Review status: criteria provided, single submitter. Criteria: ACMG Guidelines, 2015. Collection method: clinical testing. Allele origin: germline.

Breakthrough Genomics
Classification: Likely benign. Review status: criteria provided, single submitter. Criteria: ACMG Guidelines, 2015. Collection method: not provided. Allele origin: germline. Inheritance: Autosomal recessive inheritance. Affected: yes.

Genome-Nilou Lab
Classification: Likely benign for Amyotrophic lateral sclerosis type 5. Review status: criteria provided, single submitter. Criteria: ACMG Guidelines, 2015. Collection method: clinical testing. Allele origin: germline.

Genome-Nilou Lab
Classification: Likely benign for Charcot-Marie-Tooth disease axonal type 2X. Review status: criteria provided, single submitter. Criteria: ACMG Guidelines, 2015. Collection method: clinical testing. Allele origin: germline.

Genome-Nilou Lab
Classification: Likely benign for Hereditary spastic paraplegia 11. Review status: criteria provided, single submitter. Criteria: ACMG Guidelines, 2015. Collection method: clinical testing. Allele origin: germline.

Literature cited by the submitters: PubMed 32019516 (cited by Athena Diagnostics); PubMed 32397312 (cited by Athena Diagnostics); PubMed 29908077 (cited by Athena Diagnostics).